The following is an entry in ClinVar:

ClinVar aggregate classification (germline): Uncertain significance. Review status: criteria provided, single submitter (1 of 4 stars). 2 submissions from 2 submitters: Uncertain significance (1). 1 of the submissions does not count toward it. Last evaluated 2022-08-16.

Conditions:
Deficiency of hydroxymethylglutaryl-CoA lyase (HMGCLD). Also called: HMGCL DEFICIENCY; HYDROXYMETHYLGLUTARIC ACIDURIA; HMG-CoA LYASE DEFICIENCY; Defect in leucine metabolism; 3-hydroxy-3-methylglutaric aciduria. Identifiers: Orphanet 20, MedGen C1533587, MONDO:0009520, OMIM 246450.
Long chain 3-hydroxyacyl-CoA dehydrogenase deficiency. Also called: Deficiency of long-chain 3-hydroxyacyl-coenzyme A dehydrogenase; LCHAD Deficiency. Identifiers: Orphanet 5, MedGen C3711645, MONDO:0012173, OMIM 609016.

Allele frequency attached by ClinVar (database versions not stated): ExAC 0.00001; gnomAD 0.00001; gnomAD exomes 0.00001; TOPMed 0.00002.
gnomAD v4.1: 18 of 1,613,974 alleles (0.0011%); highest among the groups gnomAD compares: South Asian, 0.0066%; no homozygotes.

Submissions (2):

Labcorp Genetics (formerly Invitae), Labcorp
Classification: Uncertain significance for Deficiency of hydroxymethylglutaryl-CoA lyase. Last evaluated: 2022-08-16. Review status: criteria provided, single submitter. Criteria: Invitae Variant Classification Sherloc (09022015). Collection method: clinical testing. Allele origin: germline.
Comment: This sequence change replaces valine, which is neutral and non-polar, with methionine, which is neutral and non-polar, at codon 256 of the HMGCL protein (p.Val256Met). This variant is present in population databases (rs764238653, gnomAD 0.01%). This variant has not been reported in the literature in individuals affected with HMGCL-related conditions. ClinVar contains an entry for this variant (Variation ID: 851587). Algorithms developed to predict the effect of missense changes on protein structure and function output the following: SIFT: "Deleterious"; PolyPhen-2: "Possibly Damaging"; Align-GVGD: "Class C0". The methionine amino acid residue is found in multiple mammalian species, which suggests that this missense change does not adversely affect protein function. In summary, the available evidence is currently insufficient to determine the role of this variant in disease. Therefore, it has been classified as a Variant of Uncertain Significance.

Natera, Inc.
Classification: Uncertain significance for Deficiency of long-chain 3-hydroxyacyl-coenzyme A dehydrogenase. Last evaluated: 2020-11-16. Review status: no assertion criteria provided. Collection method: clinical testing. Allele origin: germline. Not counted in ClinVar's aggregate classification.

NM_000191.3(HMGCL):c.766G>A (p.Val256Met)

Gene: HMGCL (3-hydroxy-3-methylglutaryl-CoA lyase; minus strand). Cytogenetic location: 1p36.11.
Variant type: single nucleotide variant.
Coding change: c.766G>A on transcript NM_000191.3 (MANE Select); coding-DNA position 766, G replaced by A.
Protein change: p.Val256Met; replaces valine 256 with methionine.
Molecular consequence: missense variant.
Genome position (GRCh38, 1-based): chr1:23,804,510, C>T on the plus strand (G>A on the coding strand, the complement: HMGCL is on the minus strand). VCF-style: chr1-23804510-C-T. GRCh37 (hg19) VCF-style: chr1-24131000-C-T.
Other names: c.553G>A, p.Val185Met (NM_001166059.2); short protein forms V185M, V256M.
Identifiers: ClinVar variation 851587 (VCV000851587.7), dbSNP rs764238653, ClinGen allele CA685916.